The following is an entry in ClinVar:

NM_033026.6(PCLO):c.7375G>T (p.Val2459Phe)

Gene: PCLO (piccolo presynaptic cytomatrix protein; minus strand). Cytogenetic location: 7q21.11.
Variant type: single nucleotide variant.
Coding change: c.7375G>T on transcript NM_033026.6 (MANE Select); coding-DNA position 7375, G replaced by T.
Protein change: p.Val2459Phe; replaces valine 2459 with phenylalanine.
Molecular consequence: missense variant.
Genome position (GRCh38, 1-based): chr7:82,953,578, C>A on the plus strand (G>T on the coding strand, the complement: PCLO is on the minus strand). VCF-style: chr7-82953578-C-A. GRCh37 (hg19) VCF-style: chr7-82582894-C-A.
Other names: c.7375G>T, p.Val2459Phe (NM_014510.3); short protein forms V2459F.
Identifiers: ClinVar variation 1032314 (VCV001032314.1), dbSNP rs1795419455, ClinGen allele CA367917132.

ClinVar aggregate classification (germline): Uncertain significance (1 of 4 stars; one submission).

Conditions:
Pontocerebellar hypoplasia type 3 (PCH3). Also called: PCH WITH OPTIC ATROPHY; CEREBELLAR ATROPHY WITH PROGRESSIVE MICROCEPHALY. Identifiers: Orphanet 97249, MedGen C1842687, MONDO:0011948, OMIM 608027.

Allele frequency attached by ClinVar (database versions not stated): TOPMed below 0.00001.

Submission:

Baylor Genetics
Classification: Uncertain significance for Pontocerebellar hypoplasia type 3. Last evaluated: 2018-09-28. Review status: criteria provided, single submitter. Criteria: ACMG Guidelines, 2015. Collection method: clinical testing. Allele origin: unknown. Affected: yes.
Comment: This variant was determined to be of uncertain significance according to ACMG Guidelines, 2015 [PMID:25741868].